The following is an entry in ClinVar:

ClinVar aggregate classification (germline): Likely benign. Review status: criteria provided, multiple submitters, no conflicts (2 of 4 stars). 3 submissions from 3 submitters: Likely benign (2). 1 of the submissions does not count toward it. Last evaluated 2025-09-03.

Conditions:
GRXCR1-related disorder. Also called: GRXCR1-related condition.

Allele frequency attached by ClinVar (database versions not stated): gnomAD exomes 0.00002 and 0.00005; ExAC 0.00007; gnomAD 0.00017; TOPMed 0.00019; ESP Exome Variant Server 0.00025.
gnomAD v4.1: 58 of 1,612,760 alleles (0.0036%); highest among the groups gnomAD compares: African/African-American, 0.061%; no homozygotes.

Submissions (3):

Labcorp Genetics (formerly Invitae), Labcorp
Classification: Likely benign. Last evaluated: 2025-09-03. Review status: criteria provided, single submitter. Criteria: Invitae Variant Classification Sherloc (09022015). Collection method: clinical testing. Allele origin: germline.

Breakthrough Genomics
Classification: Likely benign. Review status: criteria provided, single submitter. Criteria: ACMG Guidelines, 2015. Collection method: not provided. Allele origin: germline. Inheritance: Autosomal recessive inheritance. Affected: yes.

PreventionGenetics, part of Exact Sciences
Classification: Likely benign for GRXCR1-related condition. Last evaluated: 2019-08-28. Review status: no assertion criteria provided. Collection method: clinical testing. Allele origin: germline. Not counted in ClinVar's aggregate classification.
Comment: This variant is classified as likely benign based on ACMG/AMP sequence variant interpretation guidelines (Richards et al. 2015 PMID: 25741868, with internal and published modifications).

NM_001080476.3(GRXCR1):c.594C>T (p.Leu198=)

Gene: GRXCR1 (glutaredoxin and cysteine rich domain containing 1; plus strand). Cytogenetic location: 4p13.
Variant type: single nucleotide variant.
Coding change: c.594C>T on transcript NM_001080476.3 (MANE Select); coding-DNA position 594, C replaced by T.
Protein change: p.Leu198=; no amino-acid change (leucine 198 retained).
Molecular consequence: synonymous variant.
Genome position (GRCh38, 1-based): chr4:42,963,101, C>T. VCF-style: chr4-42963101-C-T. GRCh37 (hg19) VCF-style: chr4-42965118-C-T.
Other names: c.594C>T (NM_001080476.2).
Identifiers: ClinVar variation 1585928 (VCV001585928.11), dbSNP rs374207152, ClinGen allele CA2904447.
Genomic context (GRCh38, chr4:42,963,101, plus strand): 5'-TGGTGAATATGGAAAAGAGTTAGACGAACGATGCCGACGAGTTTCTGAAGCTCCTTCCCT[C>T]CCTGTTGTGTTCATTGATGGCCATTACCTTGGGGTAAGTAAGCTGCCCAGGAAAGTCTTT-3'
Protein context (NP_001073945.1, residues 188-208): RCRRVSEAPS[Leu198=]PVVFIDGHYL